The following is an entry in ClinVar:

NM_018116.4(MSTO1):c.653A>T (p.Tyr218Phe)

Gene: MSTO1 (misato mitochondrial distribution and morphology regulator 1; plus strand). Cytogenetic location: 1q22.
Variant type: single nucleotide variant.
Coding change: c.653A>T on transcript NM_018116.4 (MANE Select); coding-DNA position 653, A replaced by T.
Protein change: p.Tyr218Phe; replaces tyrosine 218 with phenylalanine.
Molecular consequence: missense variant. On other transcripts: non-coding transcript variant (6).
Genome position (GRCh38, 1-based): chr1:155,612,075, A>T. VCF-style: chr1-155612075-A-T. GRCh37 (hg19) VCF-style: chr1-155581866-A-T.
Other names: c.653A>T, p.Tyr218Phe (NM_001350773.1, NM_001350774.1, NM_001350775.1 and 3 more transcripts); c.488A>T, p.Tyr163Phe (NM_001350776.1); c.122A>T, p.Tyr41Phe (NM_001350777.1, NM_001350778.1, NM_001350779.1); c.119A>T, p.Tyr40Phe (NM_001350780.1, NM_001350781.1, NM_001350782.1 and 3 more transcripts); c.110A>T, p.Tyr37Phe (NM_001350784.1, NM_001350785.1, NM_001350787.1 and 1 more transcripts); short protein forms Y37F, Y218F, Y41F, Y163F, Y40F.
Identifiers: ClinVar variation 2550939 (VCV002550939.3), dbSNP rs748305427, ClinGen allele CA1147958.

ClinVar aggregate classification (germline): Conflicting classifications of pathogenicity. Review status: criteria provided, conflicting classifications (1 of 4 stars). 2 submissions from 2 submitters: Uncertain significance (1); Likely benign (1). Last evaluated 2026-09-01.

Conditions:
Inborn genetic diseases. Identifiers: MedGen C0950123, MeSH D030342.

Allele frequency attached by ClinVar (database versions not stated): ExAC 0.00001; TOPMed 0.00002; gnomAD 0.00003.
gnomAD v4.1: 29 of 1,609,720 alleles (0.0018%); highest among the groups gnomAD compares: African/African-American, 0.0027%; no homozygotes.

Submissions (2):

CeGaT Center for Human Genetics Tuebingen
Classification: Likely benign. Last evaluated: 2026-09-01. Review status: criteria provided, single submitter. Criteria: CeGaT Center For Human Genetics Tuebingen Variant Classification Criteria Version 2. Collection method: clinical testing. Allele origin: germline. Affected: yes. Observed: 1 variant allele.
Comment: MSTO1: BP4

Ambry Genetics
Classification: Uncertain significance for Inborn genetic diseases. Last evaluated: 2023-05-24. Review status: criteria provided, single submitter. Criteria: Ambry Variant Classification Scheme 2023. Collection method: clinical testing. Allele origin: germline.